The following is an entry in ClinVar:

ClinVar aggregate classification (germline): Pathogenic (1 of 4 stars; one submission).

Conditions:
T-B+ severe combined immunodeficiency due to JAK3 deficiency. Also called: SCID, T CELL-NEGATIVE, B CELL-POSITIVE, NK CELL-NEGATIVE; SCID, autosomal recessive, T-negative/B-positive type. Identifiers: Orphanet 35078, MedGen C1833275, MONDO:0010938, OMIM 600802.

Allele frequency attached by ClinVar (database versions not stated): gnomAD exomes below 0.00001.
gnomAD v4.1: 5 of 1,547,944 alleles (0.00032%); highest among the groups gnomAD compares: Non-Finnish European, 0.00035%; no homozygotes.

Submission:

Labcorp Genetics (formerly Invitae), Labcorp
Classification: Pathogenic for T-B+ severe combined immunodeficiency due to JAK3 deficiency. Last evaluated: 2024-08-07. Review status: criteria provided, single submitter. Criteria: Invitae Variant Classification Sherloc (09022015). Collection method: clinical testing. Allele origin: germline.
Comment: This sequence change falls in intron 13 of the JAK3 gene. It does not directly change the encoded amino acid sequence of the JAK3 protein. RNA analysis indicates that this variant induces altered splicing and likely results in a shortened protein product. This variant is not present in population databases (gnomAD no frequency). This variant has been observed in individual(s) with severe combined immunodeficiency (PMID: 23384681). In at least one individual the data is consistent with being in trans (on the opposite chromosome) from a pathogenic variant. It has also been observed to segregate with disease in related individuals. Variants that disrupt the consensus splice site are a relatively common cause of aberrant splicing (PMID: 17576681, 9536098). Studies have shown that this variant results in skipping of exons 12-13, but is expected to preserve the integrity of the reading-frame (PMID: 23384681). For these reasons, this variant has been classified as Pathogenic.

Literature cited by the submitters: PubMed 23384681; PubMed 17576681; PubMed 9536098.

NM_000215.4(JAK3):c.1786+3G>T

Gene: JAK3 (Janus kinase 3; minus strand). Cytogenetic location: 19p13.11.
Variant type: single nucleotide variant.
Coding change: c.1786+3G>T on transcript NM_000215.4 (MANE Select); 3 bases into the intron after coding-DNA position 1786, G replaced by T.
Molecular consequence: intron variant.
Genome position (GRCh38, 1-based): chr19:17,837,126, C>A on the plus strand (G>T on the coding strand, the complement: JAK3 is on the minus strand). VCF-style: chr19-17837126-C-A. GRCh37 (hg19) VCF-style: chr19-17947935-C-A.
Identifiers: ClinVar variation 2736845 (VCV002736845.3), dbSNP rs2514559505, ClinGen allele CA2583424134.